The following is an entry in ClinVar:

NM_000844.4(GRM7):c.253G>T (p.Ala85Ser)

Gene: GRM7 (glutamate metabotropic receptor 7; plus strand). Cytogenetic location: 3p26.1.
Variant type: single nucleotide variant.
Coding change: c.253G>T on transcript NM_000844.4 (MANE Select); coding-DNA position 253, G replaced by T.
Protein change: p.Ala85Ser; replaces alanine 85 with serine.
Molecular consequence: missense variant.
Genome position (GRCh38, 1-based): chr3:6,861,641, G>T. VCF-style: chr3-6861641-G-T. GRCh37 (hg19) VCF-style: chr3-6903328-G-T.
Other names: c.253G>T, p.Ala85Ser (NM_181874.3); short protein forms A85S.
Identifiers: ClinVar variation 3251940 (VCV003251940.1), dbSNP rs2470186122.
Genomic context (GRCh38, chr3:6,861,641, plus strand): 5'-GTGCCCTGCGGCGACATCAAGAGGGAAAACGGGATCCACAGGCTGGAAGCGATGCTCTAC[G>T]CCCTGGACCAGATCAACAGTGATCCCAACCTACTGCCCAACGTGACGCTGGGCGCGCGGA-3'
Protein context (NP_000835.1, residues 75-95): GIHRLEAMLY[Ala85Ser]LDQINSDPNL

ClinVar aggregate classification (germline): Uncertain significance (1 of 4 stars; one submission).

Conditions:
Neurodevelopmental disorder with seizures, hypotonia, and brain imaging abnormalities. Identifiers: MedGen C5394517, MONDO:0030063, OMIM 618922.

Allele frequency attached by ClinVar (database versions not stated): gnomAD exomes below 0.00001.
gnomAD v4.1: 1 of 1,613,716 alleles (0.000062%); highest among the groups gnomAD compares: Non-Finnish European, 0.000085%; no homozygotes.

Submission:

Institute of Immunology and Genetics Kaiserslautern
Classification: Uncertain significance for Neurodevelopmental disorder with seizures, hypotonia, and brain imaging abnormalities. Last evaluated: 2024-05-02. Review status: criteria provided, single submitter. Criteria: ACMG Guidelines, 2015. Collection method: clinical testing. Allele origin: paternal. Affected: yes.
Comment: ACMG Criteria: PM2, PP3; Variant was found in homozygous state